The following is an entry in ClinVar:

ClinVar aggregate classification (germline): Conflicting classifications of pathogenicity. Review status: criteria provided, conflicting classifications (1 of 4 stars). 3 submissions from 3 submitters: Uncertain significance (2); Likely benign (1). Last evaluated 2025-05-14.

Conditions:
Floating-Harbor syndrome (FLHS). Also called: Short stature with delayed bone age, expressive language delay, a triangular face with a prominent nose and deep-set eyes; Pelletier-Leisti syndrome; SRCAP-Related Floating-Harbor Syndrome. Identifiers: Orphanet 2044, MedGen C0729582, MONDO:0007621, OMIM 136140.
Developmental delay, hypotonia, musculoskeletal defects, and behavioral abnormalities. Identifiers: MedGen C5562012, MONDO:0859202, OMIM 619595.

Submissions (3):

Dasa
Classification: Uncertain significance. Last evaluated: 2025-05-14. Review status: criteria provided, single submitter. Criteria: DASA Assertion Criteria. Collection method: clinical testing. Allele origin: germline.
Comment: NM_006662.3(SRCAP):c.19C>T (p.Pro7Ser) is a missense variant that results in the substitution of proline with serine. This variant is rare in population databases. Computational prediction algorithms are consistent with a benign effect. The currently available literature and clinical evidence are not sufficient to establish a definitive association between this variant and the reported condition. Therefore, this variant is classified as a variant of uncertain significance.

Fulgent Genetics
Classification: Uncertain significance for Floating-Harbor syndrome; Developmental delay, hypotonia, musculoskeletal defects, and behavioral abnormalities. Last evaluated: 2024-05-28. Review status: criteria provided, single submitter. Criteria: ACMG Guidelines, 2015. Collection method: clinical testing. Allele origin: germline.

Blueprint Genetics
Classification: Likely benign. Last evaluated: 2020-02-21. Review status: criteria provided, single submitter. Criteria: ACMG Guidelines, 2015. Collection method: clinical testing. Allele origin: germline.

NM_006662.3(SRCAP):c.19C>T (p.Pro7Ser)

Gene: SRCAP (Snf2 related CREBBP activator protein; plus strand). Cytogenetic location: 16p11.2.
Variant type: single nucleotide variant.
Coding change: c.19C>T on transcript NM_006662.3 (MANE Select); coding-DNA position 19, C replaced by T.
Protein change: p.Pro7Ser; replaces proline 7 with serine.
Molecular consequence: missense variant.
Genome position (GRCh38, 1-based): chr16:30,700,843, C>T. VCF-style: chr16-30700843-C-T. GRCh37 (hg19) VCF-style: chr16-30712164-C-T.
Other names: short protein forms P7S.
Identifiers: ClinVar variation 3580047 (VCV003580047.4).
Genomic context (GRCh38, chr16:30,700,843, plus strand): 5'-GTCATTCTTCAGGCATCCAAGGGGGAGCCTGGGAGTGGGACCATGCAGAGCAGCCCCTCC[C>T]CTGCTCACCCTCAGCTCCCAGTCCTACAGACACAGGTTTGAAAGTGGGAAGAGTTCCTTC-3'
Protein context (NP_006653.2, residues 1-17): MQSSPS[Pro7Ser]AHPQLPVLQT